The following is an entry in ClinVar:

NM_000255.4(MMUT):c.754C>T (p.His252Tyr)

Gene: MMUT (methylmalonyl-CoA mutase; minus strand). Cytogenetic location: 6p12.3.
Variant type: single nucleotide variant.
Coding change: c.754C>T on transcript NM_000255.4 (MANE Select); coding-DNA position 754, C replaced by T.
Protein change: p.His252Tyr; replaces histidine 252 with tyrosine.
Molecular consequence: missense variant.
Genome position (GRCh38, 1-based): chr6:49,456,237, G>A on the plus strand (C>T on the coding strand, the complement: MMUT is on the minus strand). VCF-style: chr6-49456237-G-A. GRCh37 (hg19) VCF-style: chr6-49423950-G-A.
Other names: p.H252Y:CAC>TAC; short protein forms H252Y.
Identifiers: ClinVar variation 203862 (VCV000203862.3), dbSNP rs796052010, ClinGen allele CA312790.

ClinVar aggregate classification (germline): Uncertain significance. Review status: criteria provided, single submitter (1 of 4 stars). 2 submissions from 2 submitters: Uncertain significance (1). 1 of the submissions does not count toward it. Last evaluated 2014-11-03.

Conditions:
Methylmalonic aciduria due to complete methylmalonyl-CoA mutase deficiency.

Allele frequency attached by ClinVar (database versions not stated): gnomAD exomes below 0.00001.
gnomAD v4.1: 2 of 1,602,596 alleles (0.00012%); highest among the groups gnomAD compares: Non-Finnish European, 0.00017%; no homozygotes.

Submissions (2):

GeneDx
Classification: Uncertain significance. Last evaluated: 2014-11-03. Review status: criteria provided, single submitter. Criteria: GeneDx Variant Classification (06012015). Collection method: clinical testing. Allele origin: germline. Affected: yes.
Comment: p.His252Tyr (CAC>TAC): c.754 C>T in exon 4 of the MUT gene (NM_000255.3). The H252Y variant has not been published as a mutation, nor has it been reported as a benign polymorphism to our knowledge. The H252Y variant is a non-conservative amino acid substitution, which is likely to impact secondary protein structure as these residues differ in polarity, charge, size and/or other properties. This substitution occurs at a position that is moderately conserved across species. In silico analysis is inconsistent in its predictions as to whether or not the variant is damaging to the protein structure/function. Therefore, based on the currently available information, it is unclear whether this variant is a pathogenic mutation or a rare benign variant. The variant is found in MMA-MET panel(s).

Natera, Inc.
Classification: Uncertain significance for Methylmalonic aciduria due to complete methylmalonyl-CoA mutase deficiency. Last evaluated: 2021-07-03. Review status: no assertion criteria provided. Collection method: clinical testing. Allele origin: germline. Not counted in ClinVar's aggregate classification.